The following is an entry in ClinVar:

ClinVar aggregate classification (germline): Conflicting classifications of pathogenicity. Review status: criteria provided, conflicting classifications (1 of 4 stars). 2 submissions from 2 submitters: Uncertain significance (1); Likely benign (1). Last evaluated 2026-02-27.

gnomAD v4.1: 1 of 1,610,508 alleles (0.000062%); highest among the groups gnomAD compares: Non-Finnish European, 0.000085%; no homozygotes.

Submissions (2):

Dasa
Classification: Uncertain significance. Last evaluated: 2026-02-27. Review status: criteria provided, single submitter. Criteria: DASA Assertion Criteria. Collection method: clinical testing. Allele origin: germline.
Comment: NM_002335.4(LRP5):c.3764-9C>T is a splice-region variant. This variant is rare in population databases. Computational prediction algorithms are consistent with a benign effect. The currently available literature and clinical evidence are not sufficient to establish a definitive association between this variant and the reported condition. Therefore, this variant is classified as a variant of uncertain significance.

Blueprint Genetics
Classification: Likely benign. Last evaluated: 2024-04-19. Review status: criteria provided, single submitter. Criteria: ACMG Guidelines, 2015. Collection method: clinical testing. Allele origin: germline.

NM_002335.4(LRP5):c.3764-9C>T

Gene: LRP5 (LDL receptor related protein 5; plus strand). Cytogenetic location: 11q13.2.
Variant type: single nucleotide variant.
Coding change: c.3764-9C>T on transcript NM_002335.4 (MANE Select); 9 bases into the intron before coding-DNA position 3764, C replaced by T.
Molecular consequence: intron variant.
Genome position (GRCh38, 1-based): chr11:68,433,593, C>T. VCF-style: chr11-68433593-C-T. GRCh37 (hg19) VCF-style: chr11-68201061-C-T.
Other names: c.2021-9C>T (NM_001291902.2).
Identifiers: ClinVar variation 4885608 (VCV004885608.3).
Genomic context (GRCh38, chr11:68,433,593, plus strand): 5'-CAGTCACGCCATTGCCTGGGTTTTGCTGGGCGGGGCTGCGTGTGATGTTCTCCTCTGTCC[C>T]TCCCCCAGAGCCGCCCACCTGCTCCCCGGACCAGTTTGCATGTGCCACAGGGGAGATCGA-3'